The following is an entry in ClinVar:

ClinVar aggregate classification (germline): Uncertain significance. Review status: criteria provided, multiple submitters, no conflicts (2 of 4 stars). 2 submissions from 2 submitters: Uncertain significance (2). Last evaluated 2024-04-15.

Conditions:
VPS33B-related disorder. Also called: VPS33B-related condition.
Keratoderma-ichthyosis-deafness syndrome, autosomal recessive (KDIDAR). Identifiers: MedGen C5774200, MONDO:0859278, OMIM 620009.
Cholestasis, progressive familial intrahepatic, 12 (PFIC12). Also called: CHOLESTASIS, ISOLATED LOW-GGT. Identifiers: MedGen C5774311, MONDO:0031040, OMIM 620010.
Arthrogryposis, renal dysfunction, and cholestasis 1 (ARCS1). Identifiers: Orphanet 2697, MedGen C1859722, MONDO:0008822, OMIM 208085.

Allele frequency attached by ClinVar (database versions not stated): gnomAD 0.00001; TOPMed 0.00001; ExAC 0.00002.
gnomAD v4.1: 17 of 1,613,956 alleles (0.0011%); highest among the groups gnomAD compares: Middle Eastern, 0.016%; no homozygotes.

Submissions (2):

Fulgent Genetics
Classification: Uncertain significance for Arthrogryposis, renal dysfunction, and cholestasis 1; Keratoderma-ichthyosis-deafness syndrome, autosomal recessive; Cholestasis, progressive familial intrahepatic, 12. Last evaluated: 2024-04-15. Review status: criteria provided, single submitter. Criteria: ACMG Guidelines, 2015. Collection method: clinical testing. Allele origin: germline.

PreventionGenetics, part of Exact Sciences
Classification: Uncertain significance for VPS33B-related condition. Last evaluated: 2023-05-08. Review status: criteria provided, single submitter. Criteria: ACMG Guidelines, 2015. Collection method: clinical testing. Allele origin: germline.
Comment: The VPS33B c.326G>A variant is predicted to result in the amino acid substitution p.Arg109His. To our knowledge, this variant has not been reported in the literature. This variant is reported in 0.0040% of alleles in individuals of African descent in gnomAD. At this time, the clinical significance of this variant is uncertain due to the absence of conclusive functional and genetic evidence.

NM_018668.5(VPS33B):c.326G>A (p.Arg109His)

Gene: VPS33B (VPS33B late endosome and lysosome associated; minus strand). Cytogenetic location: 15q26.1.
Variant type: single nucleotide variant.
Coding change: c.326G>A on transcript NM_018668.5 (MANE Select); coding-DNA position 326, G replaced by A.
Protein change: p.Arg109His; replaces arginine 109 with histidine.
Molecular consequence: missense variant.
Genome position (GRCh38, 1-based): chr15:91,013,835, C>T on the plus strand (G>A on the coding strand, the complement: VPS33B is on the minus strand). VCF-style: chr15-91013835-C-T. GRCh37 (hg19) VCF-style: chr15-91557065-C-T.
Other names: c.245G>A, p.Arg82His (NM_001289148.1); c.53G>A, p.Arg18His (NM_001289149.1); short protein forms R109H, R18H, R82H.
Identifiers: ClinVar variation 2636781 (VCV002636781.2), dbSNP rs775596810, ClinGen allele CA7745109.